The following is an entry in ClinVar:

ClinVar aggregate classification (germline): Uncertain significance (1 of 4 stars; one submission).

Conditions:
PLXNA1-related disorder. Also called: PLXNA1-related condition.

gnomAD v4.1: 1 of 1,612,738 alleles (0.000062%); highest among the groups gnomAD compares: Non-Finnish European, 0.000085%; no homozygotes.

Submission:

PreventionGenetics, part of Exact Sciences
Classification: Uncertain significance for PLXNA1-related condition. Last evaluated: 2025-07-11. Review status: criteria provided, single submitter. Criteria: ACMG Guidelines, 2015. Collection method: clinical testing. Allele origin: germline.
Comment: The PLXNA1 c.4907T>C variant is predicted to result in the amino acid substitution p.Leu1636Pro. To our knowledge, this variant has not been reported in the literature or in a large population database (gnomAD), indicating this variant is rare. At this time, the clinical significance of this variant is uncertain due to the absence of conclusive functional and genetic evidence.

NM_032242.4(PLXNA1):c.4907T>C (p.Leu1636Pro)

Gene: PLXNA1 (plexin A1; plus strand). Cytogenetic location: 3q21.3.
Variant type: single nucleotide variant.
Coding change: c.4907T>C on transcript NM_032242.4 (MANE Select); coding-DNA position 4907, T replaced by C.
Protein change: p.Leu1636Pro; replaces leucine 1636 with proline.
Molecular consequence: missense variant.
Genome position (GRCh38, 1-based): chr3:127,029,910, T>C. VCF-style: chr3-127029910-T-C. GRCh37 (hg19) VCF-style: chr3-126748753-T-C.
Other names: short protein forms L1636P.
Identifiers: ClinVar variation 5000137 (VCV005000137.1).